The following is an entry in ClinVar:

ClinVar aggregate classification (germline): Uncertain significance. Review status: criteria provided, multiple submitters, no conflicts (2 of 4 stars). 5 submissions from 5 submitters: Uncertain significance (5). Last evaluated 2026-09-18.

Conditions:
TTN-related disorder. Also called: TTN-related disorders; TTN-related condition; TTN-related disease.

Allele frequency attached by ClinVar (database versions not stated): ExAC 0.00001; gnomAD exomes 0.00001; gnomAD 0.00004; TOPMed 0.00004; ESP Exome Variant Server 0.00008.

Submissions (5):

PreventionGenetics, part of Exact Sciences
Classification: Uncertain significance for TTN-related condition. Last evaluated: 2026-09-18. Review status: criteria provided, single submitter. Criteria: ACMG Guidelines, 2015. Collection method: clinical testing. Allele origin: germline.
Comment: The TTN c.70855A>G variant is predicted to result in the amino acid substitution p.Ser23619Gly. To our knowledge, this variant has not been reported in the literature. This variant is reported in 0.0031% of alleles in individuals of European (Non-Finnish) descent in gnomAD. At this time, the clinical significance of this variant is uncertain due to the absence of conclusive functional and genetic evidence.

CeGaT Center for Human Genetics Tuebingen
Classification: Uncertain significance. Last evaluated: 2026-04-01. Review status: criteria provided, single submitter. Criteria: CeGaT Center For Human Genetics Tuebingen Variant Classification Criteria Version 2. Collection method: clinical testing. Allele origin: germline. Affected: yes. Observed: 1 variant allele.
Comment: TTN: PM2, BP4

Women's Health and Genetics/Laboratory Corporation of America, LabCorp
Classification: Uncertain significance. Last evaluated: 2025-05-23. Review status: criteria provided, single submitter. Criteria: LabCorp Variant Classification Summary - May 2015. Collection method: clinical testing. Allele origin: germline.
Comment: Variant summary: TTN c.63151A>G (p.Ser21051Gly) results in a non-conservative amino acid change in the encoded protein sequence. Algorithms developed to predict the effect of missense changes on protein structure and function are either unavailable or do not agree on the potential impact of this missense change. The variant allele was found at a frequency of 1.2e-05 in 248022 control chromosomes. The available data on variant occurrences in the general population are insufficient to allow any conclusion about variant significance. To our knowledge, no occurrence of c.63151A>G in individuals affected with Autosomal Recessive Titinopathy and no experimental evidence demonstrating its impact on protein function have been reported. ClinVar contains an entry for this variant (Variation ID: 290457). Based on the evidence outlined above, the variant was classified as uncertain significance.

Revvity Omics, Revvity
Classification: Uncertain significance. Last evaluated: 2019-11-18. Review status: criteria provided, single submitter. Criteria: ACMG Guidelines, 2015. Collection method: clinical testing. Allele origin: germline.

Eurofins Ntd Llc (ga)
Classification: Uncertain significance. Last evaluated: 2016-09-22. Review status: criteria provided, single submitter. Criteria: EGL Classification Definitions 2015. Collection method: clinical testing. Allele origin: germline. Observed: 1 variant allele, 1 heterozygote.

NM_001267550.2(TTN):c.70855A>G (p.Ser23619Gly)

Genes: TTN (titin; minus strand), TTN-AS1 (TTN antisense RNA 1; plus strand). Cytogenetic location: 2q31.2.
Variant type: single nucleotide variant.
Coding change: c.70855A>G on transcript NM_001267550.2 (MANE Select); coding-DNA position 70855, A replaced by G.
Protein change: p.Ser23619Gly; replaces serine 23619 with glycine.
Molecular consequence: missense variant.
Genome position (GRCh38, 1-based): chr2:178,575,277, T>C on the plus strand (A>G on the coding strand, the complement: TTN is on the minus strand). VCF-style: chr2-178575277-T-C. GRCh37 (hg19) VCF-style: chr2-179440004-T-C.
Other names: c.65932A>G, p.Ser21978Gly (NM_001256850.1); c.43660A>G, p.Ser14554Gly (NM_003319.4); c.63151A>G, p.Ser21051Gly (NM_133378.4); c.44035A>G, p.Ser14679Gly (NM_133432.3); c.44236A>G, p.Ser14746Gly (NM_133437.4); short protein forms S21051G, S23619G, S14554G, S14679G, S21978G, S14746G.
Identifiers: ClinVar variation 290457 (VCV000290457.12), dbSNP rs372823646, ClinGen allele CA1990713.